The following is an entry in ClinVar:

ClinVar aggregate classification (germline): Uncertain significance (1 of 4 stars; one submission).

Conditions:
Hereditary cancer-predisposing syndrome. Also called: Hereditary Cancer Syndrome; Hereditary neoplastic syndrome; Neoplastic Syndromes, Hereditary; Tumor predisposition. Identifiers: Orphanet 140162, MedGen C0027672, MeSH D009386, MONDO:0015356.

Submission:

Ambry Genetics
Classification: Uncertain significance for Hereditary cancer-predisposing syndrome. Last evaluated: 2025-08-31. Review status: criteria provided, single submitter. Criteria: Ambry Variant Classification Scheme 2023. Collection method: clinical testing. Allele origin: germline.
Comment: The p.C1365F variant (also known as c.4094G>T), located in coding exon 28 of the ALK gene, results from a G to T substitution at nucleotide position 4094. The cysteine at codon 1365 is replaced by phenylalanine, an amino acid with highly dissimilar properties. This amino acid position is conserved. In addition, this alteration is predicted to be deleterious by in silico analysis. Based on the available evidence, the clinical significance of this variant remains unclear.

NM_004304.5(ALK):c.4094G>T (p.Cys1365Phe)

Gene: ALK (ALK receptor tyrosine kinase; minus strand). Cytogenetic location: 2p23.2.
Variant type: single nucleotide variant.
Coding change: c.4094G>T on transcript NM_004304.5 (MANE Select); coding-DNA position 4094, G replaced by T.
Protein change: p.Cys1365Phe; replaces cysteine 1365 with phenylalanine.
Molecular consequence: missense variant.
Genome position (GRCh38, 1-based): chr2:29,196,840, C>A on the plus strand (G>T on the coding strand, the complement: ALK is on the minus strand). VCF-style: chr2-29196840-C-A. GRCh37 (hg19) VCF-style: chr2-29419706-C-A.
Other names: c.890G>T, p.Cys297Phe (NM_001353765.2); short protein forms C297F, C1365F.
Identifiers: ClinVar variation 4271227 (VCV004271227.1).
Genomic context (GRCh38, chr2:29,196,840, plus strand): 5'-TATTCAATCCTCTCCAAAATGATGGCAAAGTTGGGCCTGTCTTCAGGCTGATGTTGCCAG[C>A]ACTGAGTCATTATCCGGTATCTAAAAGAAGAAGCACATTAATTAAAATAAGGAGAAGCAC-3'
Protein context (NP_004295.2, residues 1355-1375): PGPVYRIMTQ[Cys1365Phe]WQHQPEDRPN